The following is an entry in ClinVar:

ClinVar aggregate classification (germline): Uncertain significance (1 of 4 stars; one submission).

Conditions:
PRPH2-related disorder. Also called: PRPH2-related disorders; PRPH2-related condition. Identifiers: MedGen CN239395.

Allele frequency attached by ClinVar (database versions not stated): gnomAD exomes below 0.00001.

Submission:

Labcorp Genetics (formerly Invitae), Labcorp
Classification: Uncertain significance for PRPH2-related disorder. Last evaluated: 2023-11-14. Review status: criteria provided, single submitter. Criteria: Invitae Variant Classification Sherloc (09022015). Collection method: clinical testing. Allele origin: germline.
Comment: This sequence change replaces tyrosine, which is neutral and polar, with histidine, which is basic and polar, at codon 257 of the PRPH2 protein (p.Tyr257His). This variant is not present in population databases (gnomAD no frequency). This variant has not been reported in the literature in individuals affected with PRPH2-related conditions. Advanced modeling of protein sequence and biophysical properties (such as structural, functional, and spatial information, amino acid conservation, physicochemical variation, residue mobility, and thermodynamic stability) has been performed at Invitae for this missense variant, however the output from this modeling did not meet the statistical confidence thresholds required to predict the impact of this variant on PRPH2 protein function. In summary, the available evidence is currently insufficient to determine the role of this variant in disease. Therefore, it has been classified as a Variant of Uncertain Significance.

NM_000322.5(PRPH2):c.769T>C (p.Tyr257His)

Gene: PRPH2 (peripherin 2; minus strand). Cytogenetic location: 6p21.1.
Variant type: single nucleotide variant.
Coding change: c.769T>C on transcript NM_000322.5 (MANE Select); coding-DNA position 769, T replaced by C.
Protein change: p.Tyr257His; replaces tyrosine 257 with histidine.
Molecular consequence: missense variant.
Genome position (GRCh38, 1-based): chr6:42,704,424, A>G on the plus strand (T>C on the coding strand, the complement: PRPH2 is on the minus strand). VCF-style: chr6-42704424-A-G. GRCh37 (hg19) VCF-style: chr6-42672162-A-G.
Other names: short protein forms Y257H.
Identifiers: ClinVar variation 2824167 (VCV002824167.3), dbSNP rs2548300689, ClinGen allele CA364134877.